The following is an entry in ClinVar:

ClinVar aggregate classification (germline): Likely benign. Review status: criteria provided, multiple submitters, no conflicts (2 of 4 stars). 2 submissions from 2 submitters: Likely benign (2). Last evaluated 2023-01-10.

Conditions:
Familial thoracic aortic aneurysm and aortic dissection (TAAD). Also called: Thoracic aortic aneurysms and dissections. Identifiers: Orphanet 91387, MedGen C4707243, MONDO:0019625.

gnomAD v4.1: 29 of 1,611,396 alleles (0.0018%); highest among the groups gnomAD compares: South Asian, 0.032%; 1 homozygote.

Submissions (2):

All of Us Research Program, National Institutes of Health
Classification: Likely benign for Familial thoracic aortic aneurysm and aortic dissection. Last evaluated: 2023-01-10. Review status: criteria provided, single submitter. Criteria: ACMG Guidelines, 2015. Collection method: clinical testing. Allele origin: germline. Inheritance: Autosomal dominant inheritance. Observed: 1 variant allele, 1 heterozygote.
Comment: This study involves interpretation of variants in research participants for the purpose of population health screening. Participant phenotype was not available at the time of variant classification. Additional details can be found in publication PMID: 35346344, PMCID: PMC8962531

Color Diagnostics, LLC DBA Color Health
Classification: Likely benign for Familial thoracic aortic aneurysm and aortic dissection. Last evaluated: 2019-09-10. Review status: criteria provided, single submitter. Criteria: ACMG Guidelines, 2015. Collection method: clinical testing. Allele origin: germline.

NM_002474.3(MYH11):c.3293+6G>C

Gene: MYH11 (myosin heavy chain 11; minus strand). Cytogenetic location: 16p13.11.
Variant type: single nucleotide variant.
Coding change: c.3293+6G>C on transcript NM_002474.3 (MANE Select); 6 bases into the intron after coding-DNA position 3293, G replaced by C.
Molecular consequence: intron variant.
Genome position (GRCh38, 1-based): chr16:15,737,443, C>G on the plus strand (G>C on the coding strand, the complement: MYH11 is on the minus strand). VCF-style: chr16-15737443-C-G. GRCh37 (hg19) VCF-style: chr16-15831300-C-G.
Other names: c.3293+6G>C (NM_022844.3); c.3314+6G>C (NM_001040114.2, NM_001040113.2).
Identifiers: ClinVar variation 918801 (VCV000918801.3), dbSNP rs370658839, ClinGen allele CA7922043.